The following is an entry in ClinVar:

ClinVar aggregate classification (germline): Conflicting classifications of pathogenicity. Review status: criteria provided, conflicting classifications (1 of 4 stars). 4 submissions from 4 submitters: Uncertain significance (3); Likely benign (1). Last evaluated 2025-10-31.

Conditions:
Ehlers-Danlos syndrome, classic type, 1 (EDSCL1). Also called: Ehlers-Danlos Syndrome, Classic Type, COL5A1-Related; EDS I; Ehlers-Danlos syndrome, type 1; EHLERS-DANLOS SYNDROME, GRAVIS TYPE; EHLERS-DANLOS SYNDROME, SEVERE CLASSIC TYPE. Identifiers: MedGen C0268335, MONDO:0019567, OMIM 130000.
Familial thoracic aortic aneurysm and aortic dissection (TAAD). Also called: Thoracic aortic aneurysms and dissections. Identifiers: Orphanet 91387, MedGen C4707243, MONDO:0019625.

Allele frequency attached by ClinVar (database versions not stated): gnomAD exomes 0.00005 and 0.00006; gnomAD 0.00013 and 0.00014; ExAC 0.00008; ESP Exome Variant Server 0.00031; TOPMed 0.00014.
gnomAD v4.1: 95 of 1,613,928 alleles (0.0059%); highest among the groups gnomAD compares: African/African-American, 0.032%; no homozygotes.

Submissions (4):

Labcorp Genetics (formerly Invitae), Labcorp
Classification: Likely benign for Ehlers-Danlos syndrome, classic type, 1. Last evaluated: 2025-10-31. Review status: criteria provided, single submitter. Criteria: Invitae Variant Classification Sherloc (09022015). Collection method: clinical testing. Allele origin: germline.

GeneDx
Classification: Uncertain significance. Last evaluated: 2024-08-15. Review status: criteria provided, single submitter. Criteria: GeneDx Variant Classification Process June 2021. Collection method: clinical testing. Allele origin: germline. Affected: yes.
Comment: Has not been previously published as pathogenic or benign to our knowledge; Not located in the triple helical region, where the majority of pathogenic missense variants occur (PMID: 22696272; HGMD); In silico analysis supports that this missense variant has a deleterious effect on protein structure/function; This variant is associated with the following publications: (PMID: 22696272)

Mayo Clinic Laboratories, Mayo Clinic
Classification: Uncertain significance. Last evaluated: 2023-06-13. Review status: criteria provided, single submitter. Criteria: ACMG Guidelines, 2015. Collection method: clinical testing. Allele origin: germline. Observed: 1 variant allele.
Comment: BS1

Ambry Genetics
Classification: Uncertain significance for Familial thoracic aortic aneurysm and aortic dissection. Last evaluated: 2018-04-09. Review status: criteria provided, single submitter. Criteria: Ambry Variant Classification Scheme 2023. Collection method: clinical testing. Allele origin: germline.
Comment: The p.P432L variant (also known as c.1295C>T), located in coding exon 8 of the COL5A1 gene, results from a C to T substitution at nucleotide position 1295. The proline at codon 432 is replaced by leucine, an amino acid with similar properties. This amino acid position is highly conserved in available vertebrate species. In addition, the in silico prediction for this alteration is inconclusive. Since supporting evidence is limited at this time, the clinical significance of this alteration remains unclear.

NM_000093.5(COL5A1):c.1295C>T (p.Pro432Leu)

Gene: COL5A1 (collagen type V alpha 1 chain; plus strand). Cytogenetic location: 9q34.3.
Variant type: single nucleotide variant.
Coding change: c.1295C>T on transcript NM_000093.5 (MANE Select); coding-DNA position 1295, C replaced by T.
Protein change: p.Pro432Leu; replaces proline 432 with leucine.
Molecular consequence: missense variant.
Genome position (GRCh38, 1-based): chr9:134,731,626, C>T. VCF-style: chr9-134731626-C-T. GRCh37 (hg19) VCF-style: chr9-137623472-C-T.
Other names: p.Pro432Leu; c.1295C>T, p.Pro432Leu (NM_001278074.1); short protein forms P432L.
Identifiers: ClinVar variation 529257 (VCV000529257.20), dbSNP rs140943202, ClinGen allele CA5318702.
Genomic context (GRCh38, chr9:134,731,626, plus strand): 5'-TTGACGAGAACTACTACGACCCCTACTACGACCCCACCAGCTCCCCGTCGGAGATCGGGC[C>T]GGGAATGCCGGCGAACCAGGATACCATCTATGAAGGGGTGAGAGGGTGCAGGCCCCCGTT-3'
Protein context (NP_000084.3, residues 422-442): DPTSSPSEIG[Pro432Leu]GMPANQDTIY